The following is an entry in ClinVar:

ClinVar aggregate classification (germline): Pathogenic (1 of 4 stars; one submission).

Conditions:
Hereditary cancer-predisposing syndrome. Also called: Hereditary neoplastic syndrome; Tumor predisposition; Hereditary Cancer Syndrome; Neoplastic Syndromes, Hereditary. Identifiers: Orphanet 140162, MedGen C0027672, MeSH D009386, MONDO:0015356.

Submission:

Ambry Genetics
Classification: Pathogenic for Hereditary cancer-predisposing syndrome. Last evaluated: 2023-07-24. Review status: criteria provided, single submitter. Criteria: Ambry Variant Classification Scheme 2023. Collection method: clinical testing. Allele origin: germline.
Comment: The c.2122_2123ins14 variant, located in coding exon 15 of the APC gene, results from an insertion of 14 nucleotides at position 2122, causing a translational frameshift with a predicted alternate stop codon (p.K708Ifs*15). This alteration has been observed in at least one individual with a personal and/or family history that is consistent with APC-related disease (Ambry internal data). This alteration occurs at the 3' terminus of theAPC gene, is not expected to trigger nonsense-mediated mRNA decay, and only impacts the last 2136 amino acids of the protein. However, premature stop codons are typically deleterious in nature and a significant portion of the protein is affected (Ambry internal data). This variant is considered to be rare based on population cohorts in the Genome Aggregation Database (gnomAD). Based on the supporting evidence, this alteration is interpreted as a disease-causing mutation.

NM_000038.6(APC):c.2122_2123insTTCATTCATGCTCA (p.Lys708fs)

Gene: APC (APC regulator of Wnt signaling pathway; plus strand). Cytogenetic location: 5q22.2.
Variant type: Insertion.
Coding change: c.2122_2123insTTCATTCATGCTCA on transcript NM_000038.6 (MANE Select); coding-DNA positions 2122 to 2123, TTCATTCATGCTCA inserted.
Protein change: p.Lys708fs; shifts the reading frame from lysine 708.
Molecular consequence: frameshift variant. On other transcripts: non-coding transcript variant (2).
Genome position: GRCh38 VCF-style: chr5-112837708-G-GCATGCTCATTCATT. GRCh37 (hg19) VCF-style: chr5-112173405-G-GCATGCTCATTCATT.
Other names: c.2122_2123insTTCATTCATGCTCA, p.Lys708fs (NM_001127510.3, NM_001354895.2, NM_001407450.1); c.2068_2069insTTCATTCATGCTCA, p.Lys690fs (NM_001127511.3); c.2176_2177insTTCATTCATGCTCA, p.Lys726fs (NM_001354896.2, NM_001407447.1, NM_001407448.1 and 1 more transcripts); c.2152_2153insTTCATTCATGCTCA, p.Lys718fs (NM_001354897.2); c.2047_2048insTTCATTCATGCTCA, p.Lys683fs (NM_001354898.2); c.2038_2039insTTCATTCATGCTCA, p.Lys680fs (NM_001354899.2); c.1999_2000insTTCATTCATGCTCA, p.Lys667fs (NM_001354900.2); c.1945_1946insTTCATTCATGCTCA, p.Lys649fs (NM_001354901.2, NM_001407453.1); and 11 more; short protein forms K324fs, K607fs, K667fs, K425fs, K579fs, K582fs, K617fs, K625fs.
Identifiers: ClinVar variation 2587004 (VCV002587004.2), dbSNP rs2533398043, ClinGen allele CA2582341422.